The following is an entry in ClinVar:

NM_001008537.3(NEXMIF):c.*1649T>G

Gene: NEXMIF (neurite extension and migration factor; minus strand). Cytogenetic location: Xq13.3.
Variant type: single nucleotide variant.
Coding change: c.*1649T>G on transcript NM_001008537.3 (MANE Select); 1649 bases downstream of the stop codon, T replaced by G.
Molecular consequence: 3 prime UTR variant.
Genome position (GRCh38, 1-based): chrX:74,737,756, A>C on the plus strand (T>G on the coding strand, the complement: NEXMIF is on the minus strand). VCF-style: chrX-74737756-A-C. GRCh37 (hg19) VCF-style: chrX-73957591-A-C.
Identifiers: ClinVar variation 4845589 (VCV004845589.1).
Genomic context (GRCh38, chrX:74,737,756, plus strand): 5'-TGCTTCTCTGTTTGTGAATACATTTAGGTGGCATTGACTAGGTAGGTTCATATTTTGCTT[A>C]AAATTTTCCTTTTGAAACATCTTCCCTTTTTTTGTTAAATCCCCTTTTTCCCTTCCCACT-3'

ClinVar aggregate classification (germline): Uncertain significance (1 of 4 stars; one submission).

Submission:

Greenwood Genetic Center Diagnostic Laboratories, Greenwood Genetic Center
Classification: Uncertain significance. Last evaluated: 2025-10-02. Review status: criteria provided, single submitter. Criteria: ACMG Guidelines, 2015. Collection method: clinical testing. Allele origin: germline. Affected: yes.
Comment: PM2